The following is an entry in ClinVar:

ClinVar aggregate classification (germline): Uncertain significance (1 of 4 stars; one submission).

Allele frequency attached by ClinVar (database versions not stated): gnomAD exomes 0.00001; TOPMed 0.00001.
gnomAD v4.1: 5 of 1,598,196 alleles (0.00031%); highest among the groups gnomAD compares: Non-Finnish European, 0.00043%; no homozygotes.

Submission:

CeGaT Center for Human Genetics Tuebingen
Classification: Uncertain significance. Last evaluated: 2023-08-01. Review status: criteria provided, single submitter. Criteria: CeGaT Center For Human Genetics Tuebingen Variant Classification Criteria Version 2. Collection method: clinical testing. Allele origin: germline. Affected: yes. Observed: 1 variant allele.
Comment: NBEA: PM2

NM_001385012.1(NBEA):c.2228A>G (p.Gln743Arg)

Gene: NBEA (neurobeachin; plus strand). Cytogenetic location: 13q13.3.
Variant type: single nucleotide variant.
Coding change: c.2228A>G on transcript NM_001385012.1 (MANE Select); coding-DNA position 2228, A replaced by G.
Protein change: p.Gln743Arg; replaces glutamine 743 with arginine.
Molecular consequence: missense variant.
Genome position (GRCh38, 1-based): chr13:35,118,459, A>G. VCF-style: chr13-35118459-A-G. GRCh37 (hg19) VCF-style: chr13-35692596-A-G.
Other names: c.2228A>G, p.Gln743Arg (NM_001379245.1, NM_015678.5); short protein forms Q743R.
Identifiers: ClinVar variation 2578701 (VCV002578701.25), dbSNP rs1354415241, ClinGen allele CA387832562.